The following is an entry in ClinVar:

NM_020638.3(FGF23):c.703C>T (p.His235Tyr)

Gene: FGF23 (fibroblast growth factor 23; minus strand). Cytogenetic location: 12p13.32.
Variant type: single nucleotide variant.
Coding change: c.703C>T on transcript NM_020638.3 (MANE Select); coding-DNA position 703, C replaced by T.
Protein change: p.His235Tyr; replaces histidine 235 with tyrosine.
Molecular consequence: missense variant.
Genome position (GRCh38, 1-based): chr12:4,370,396, G>A on the plus strand (C>T on the coding strand, the complement: FGF23 is on the minus strand). VCF-style: chr12-4370396-G-A. GRCh37 (hg19) VCF-style: chr12-4479562-G-A.
Other names: short protein forms H235Y.
Identifiers: ClinVar variation 4882845 (VCV004882845.2).
Genomic context (GRCh38, chr12:4,370,396, plus strand): 5'-AGCGACCCTAGATGAACTTGGCGAAGGGGCGGCAGCCTTCCGGGCCCGTTCCCCCAGCGT[G>A]CGTGTTCACTCGACCGCCCCTGACCACCCCTAATGGGTCACTGGCCATCGGGCTGTTGTC-3'
Protein context (NP_065689.1, residues 225-245): GVVRGGRVNT[His235Tyr]AGGTGPEGCR

ClinVar aggregate classification (germline): Uncertain significance (1 of 4 stars; one submission).

Conditions:
Autosomal dominant hypophosphatemic rickets (ADHR). Also called: HYPOPHOSPHATEMIA, AUTOSOMAL DOMINANT; VITAMIN D-RESISTANT RICKETS, AUTOSOMAL DOMINANT. Identifiers: Orphanet 89937, MedGen C0342642, MONDO:0008660, OMIM 193100.

Submission:

Dasa
Classification: Uncertain significance for Autosomal dominant hypophosphatemic rickets. Last evaluated: 2025-05-28. Review status: criteria provided, single submitter. Criteria: DASA Assertion Criteria. Collection method: clinical testing. Allele origin: germline.
Comment: NM_020638.3(FGF23):c.703C>T (p.His235Tyr) is a missense variant that results in the substitution of histidine with tyrosine. This variant is absent from population databases. Computational prediction algorithms are consistent with a benign effect. The currently available literature and clinical evidence are not sufficient to establish a definitive association between this variant and the reported condition. Therefore, this variant is classified as a variant of uncertain significance.